The following is an entry in ClinVar:

NM_058216.3(RAD51C):c.54G>T (p.Pro18=)

Gene: RAD51C (RAD51 paralog C; plus strand). Cytogenetic location: 17q22.
Variant type: single nucleotide variant.
Coding change: c.54G>T on transcript NM_058216.3 (MANE Select); coding-DNA position 54, G replaced by T.
Protein change: p.Pro18=; no amino-acid change (proline 18 retained).
Molecular consequence: synonymous variant. On other transcripts: non-coding transcript variant (1).
Genome position (GRCh38, 1-based): chr17:58,692,697, G>T. VCF-style: chr17-58692697-G-T. GRCh37 (hg19) VCF-style: chr17-56770058-G-T.
Other names: c.54G>T, p.Pro18= (NM_002876.4); c.54G>T (NM_058216.1).
Identifiers: ClinVar variation 538792 (VCV000538792.12), dbSNP rs1555591865, ClinGen allele CA501074347.

ClinVar aggregate classification (germline): Benign/Likely benign. Review status: criteria provided, multiple submitters, no conflicts (2 of 4 stars). 3 submissions from 3 submitters: Benign (1); Likely benign (2). Last evaluated 2026-02-16.

Conditions:
Hereditary cancer-predisposing syndrome. Also called: Tumor predisposition; Hereditary Cancer Syndrome; Neoplastic Syndromes, Hereditary; Hereditary neoplastic syndrome. Identifiers: Orphanet 140162, MedGen C0027672, MeSH D009386, MONDO:0015356.
Breast-ovarian cancer, familial, susceptibility to, 3. Also called: RAD51C-Related Breast/Ovarian Cancer. Identifiers: Orphanet 145, MedGen C3150659, MONDO:0013253, OMIM 613399.
Fanconi anemia complementation group O. Also called: RAD51C-Related Fanconi Anemia. Identifiers: Orphanet 84, MedGen C3150653, MONDO:0013248, OMIM 613390.

Submissions (3):

Ambry Genetics
Classification: Likely benign for Hereditary cancer-predisposing syndrome. Last evaluated: 2026-02-16. Review status: criteria provided, single submitter. Criteria: Ambry Variant Classification Scheme 2023. Collection method: clinical testing. Allele origin: germline.

Myriad Genetics, Inc.
Classification: Benign for Breast-ovarian cancer, familial, susceptibility to, 3. Last evaluated: 2025-02-14. Review status: criteria provided, single submitter. Criteria: Myriad Autosomal Dominant, Autosomal Recessive and X-Linked Classification Criteria (2023). Collection method: clinical testing. Allele origin: unknown.
Comment: This variant is considered benign. This variant is a silent/synonymous amino acid change and it is not expected to impact splicing.

Labcorp Genetics (formerly Invitae), Labcorp
Classification: Likely benign for Fanconi anemia complementation group O. Last evaluated: 2023-09-10. Review status: criteria provided, single submitter. Criteria: Invitae Variant Classification Sherloc (09022015). Collection method: clinical testing. Allele origin: germline.